The following is an entry in ClinVar:

ClinVar aggregate classification (germline): Conflicting classifications of pathogenicity. Review status: criteria provided, conflicting classifications (1 of 4 stars). 5 submissions from 5 submitters: Uncertain significance (4); Likely benign (1). Last evaluated 2026-04-14.

Conditions:
DSP-related disorder. Also called: DSP-related condition; DSP-related disorders.
Arrhythmogenic right ventricular dysplasia 8 (ARVD8). Also called: Arrhythmogenic Right Ventricular Dysplasia/Cardiomyopathy 8; ARRHYTHMOGENIC RIGHT VENTRICULAR DYSPLASIA, FAMILIAL, 8; ARRHYTHMOGENIC RIGHT VENTRICULAR CARDIOMYOPATHY 8. Identifiers: MedGen C1843896, MONDO:0011831, OMIM 607450.
Arrhythmogenic cardiomyopathy with wooly hair and keratoderma. Also called: PALMOPLANTAR KERATODERMA WITH LEFT VENTRICULAR CARDIOMYOPATHY AND WOOLLY HAIR; Carvajal syndrome; Dilated cardiomyopathy with woolly hair and keratoderma; Arrhythmogenic cardiomyopathy with woolly hair and keratoderma. Identifiers: Orphanet 65282, MedGen C1854063, MONDO:0011581, OMIM 605676.
Cardiovascular phenotype. Identifiers: MedGen CN230736.
Cardiomyopathy (CMYO). Also called: Cardiomyopathies. Identifiers: Orphanet 167848, MedGen C0878544, MONDO:0004994, HP:0001638. Inheritance: Various modes of inheritance.

Allele frequency attached by ClinVar (database versions not stated): gnomAD exomes 0.00001; gnomAD 0.00005; TOPMed 0.00005; ESP Exome Variant Server 0.00008.

Submissions (5):

PreventionGenetics, part of Exact Sciences
Classification: Uncertain significance for DSP-related condition. Last evaluated: 2026-04-14. Review status: criteria provided, single submitter. Criteria: ACMG Guidelines, 2015. Collection method: clinical testing. Allele origin: germline.
Comment: The DSP c.8281G>A variant is predicted to result in the amino acid substitution p.Ala2761Thr. To our knowledge, this variant has not been reported in the literature. This variant is reported in 0.012% of alleles in individuals of African descent in gnomAD. At this time, the clinical significance of this variant is uncertain due to the absence of conclusive functional and genetic evidence.

Labcorp Genetics (formerly Invitae), Labcorp
Classification: Likely benign for Arrhythmogenic cardiomyopathy with wooly hair and keratoderma; Arrhythmogenic right ventricular dysplasia 8. Last evaluated: 2025-06-29. Review status: criteria provided, single submitter. Criteria: Invitae Variant Classification Sherloc (09022015). Collection method: clinical testing. Allele origin: germline.

Ambry Genetics
Classification: Uncertain significance for Cardiovascular phenotype. Last evaluated: 2024-05-13. Review status: criteria provided, single submitter. Criteria: Ambry Variant Classification Scheme 2023. Collection method: clinical testing. Allele origin: germline.
Comment: The p.A2761T variant (also known as c.8281G>A), located in coding exon 24 of the DSP gene, results from a G to A substitution at nucleotide position 8281. The alanine at codon 2761 is replaced by threonine, an amino acid with similar properties. This amino acid position is well conserved in available vertebrate species. In addition, the in silico prediction for this alteration is inconclusive. Since supporting evidence is limited at this time, the clinical significance of this alteration remains unclear.

All of Us Research Program, National Institutes of Health
Classification: Uncertain significance for Arrhythmogenic cardiomyopathy with wooly hair and keratoderma. Last evaluated: 2024-05-09. Review status: criteria provided, single submitter. Criteria: ACMG Guidelines, 2015. Collection method: clinical testing. Allele origin: germline. Inheritance: Autosomal dominant inheritance. Observed: 6 variant alleles, 6 heterozygotes.
Comment: This missense variant replaces alanine with threonine at codon 2761 of the DSP protein. Computational prediction is inconclusive regarding the impact of this variant on protein structure and function (internally defined REVEL score threshold 0.5 < inconclusive < 0.7, PMID: 27666373). To our knowledge, functional studies have not been reported for this variant. This variant has not been reported in individuals affected with cardiovascular disorders in the literature. This variant has been identified in 3/282706 chromosomes in the general population by the Genome Aggregation Database (gnomAD). The available evidence is insufficient to determine the role of this variant in disease conclusively. Therefore, this variant is classified as a Variant of Uncertain Significance.

This study involves interpretation of variants in research participants for the purpose of population health screening. Participant phenotype was not available at the time of variant classification. Additional details can be found in publication PMID: 35346344, PMCID: PMC8962531

Color Diagnostics, LLC DBA Color Health
Classification: Uncertain significance for Cardiomyopathy. Last evaluated: 2024-03-06. Review status: criteria provided, single submitter. Criteria: ACMG Guidelines, 2015. Collection method: clinical testing. Allele origin: germline.
Comment: This missense variant replaces alanine with threonine at codon 2761 of the DSP protein. Computational prediction is inconclusive regarding the impact of this variant on protein structure and function (internally defined REVEL score threshold 0.5 < inconclusive < 0.7, PMID: 27666373). To our knowledge, functional studies have not been reported for this variant. This variant has not been reported in individuals affected with cardiovascular disorders in the literature. This variant has been identified in 3/282706 chromosomes in the general population by the Genome Aggregation Database (gnomAD). The available evidence is insufficient to determine the role of this variant in disease conclusively. Therefore, this variant is classified as a Variant of Uncertain Significance.

NM_004415.4(DSP):c.8281G>A (p.Ala2761Thr)

Gene: DSP (desmoplakin; plus strand). Cytogenetic location: 6p24.3.
Variant type: single nucleotide variant.
Coding change: c.8281G>A on transcript NM_004415.4 (MANE Select); coding-DNA position 8281, G replaced by A.
Protein change: p.Ala2761Thr; replaces alanine 2761 with threonine.
Molecular consequence: missense variant.
Genome position (GRCh38, 1-based): chr6:7,585,543, G>A. VCF-style: chr6-7585543-G-A. GRCh37 (hg19) VCF-style: chr6-7585776-G-A.
Other names: c.8281G>A (NM_004415.3, LRG_423t1); c.6484G>A, p.Ala2162Thr (NM_001008844.3); c.6952G>A, p.Ala2318Thr (NM_001319034.2); short protein forms A2761T, A2318T, A2162T.
Identifiers: ClinVar variation 518618 (VCV000518618.22), dbSNP rs376751288, ClinGen allele CA133977666.